The following is an entry in ClinVar:

NM_001211.6(BUB1B):c.2898G>T (p.Lys966Asn)

Genes: BUB1B (BUB1 mitotic checkpoint serine/threonine kinase B; plus strand), BUB1B-PAK6 (BUB1B-PAK6 readthrough; plus strand). Cytogenetic location: 15q15.1.
Variant type: single nucleotide variant.
Coding change: c.2898G>T on transcript NM_001211.6 (MANE Select); coding-DNA position 2898, G replaced by T.
Protein change: p.Lys966Asn; replaces lysine 966 with asparagine.
Molecular consequence: missense variant. On other transcripts: intron variant (2).
Genome position (GRCh38, 1-based): chr15:40,218,503, G>T. VCF-style: chr15-40218503-G-T. GRCh37 (hg19) VCF-style: chr15-40510704-G-T.
Other names: c.-201+836G>T (NM_001128628.3); c.-118+836G>T (NM_001128629.3); short protein forms K966N.
Identifiers: ClinVar variation 3221410 (VCV003221410.1), dbSNP rs2542587649, ClinGen allele CA391688279.
Genomic context (GRCh38, chr15:40,218,503, plus strand): 5'-TTTGTGATTTCAGGTAGACCTGTTTGGTATAGCAGATTTAGCACATTTACTATTGTTCAA[G>T]GAACACCTACAGGTCTTCTGGGATGGGTCCTTCTGGAAACTTAGCCAAAATATTTCTGAG-3'
Protein context (NP_001202.5, residues 956-976): IADLAHLLLF[Lys966Asn]EHLQVFWDGS

ClinVar aggregate classification (germline): Uncertain significance (1 of 4 stars; one submission).

Conditions:
Inborn genetic diseases. Identifiers: MedGen C0950123, MeSH D030342.

Submission:

Ambry Genetics
Classification: Uncertain significance for Inborn genetic diseases. Last evaluated: 2023-11-23. Review status: criteria provided, single submitter. Criteria: Ambry Variant Classification Scheme 2023. Collection method: clinical testing. Allele origin: germline.
Comment: The p.K966N variant (also known as c.2898G>T), located in coding exon 22 of the BUB1B gene, results from a G to T substitution at nucleotide position 2898. The lysine at codon 966 is replaced by asparagine, an amino acid with similar properties. This amino acid position is conserved. In addition, this alteration is predicted to be tolerated by in silico analysis. Since supporting evidence is limited at this time, the clinical significance of this alteration remains unclear.